The following is an entry in ClinVar:

NM_006509.4(RELB):c.1370C>T (p.Pro457Leu)

Gene: RELB (RELB proto-oncogene, NF-kB subunit; plus strand). Cytogenetic location: 19q13.32.
Variant type: single nucleotide variant.
Coding change: c.1370C>T on transcript NM_006509.4 (MANE Select); coding-DNA position 1370, C replaced by T.
Protein change: p.Pro457Leu; replaces proline 457 with leucine.
Molecular consequence: missense variant.
Genome position (GRCh38, 1-based): chr19:45,037,420, C>T. VCF-style: chr19-45037420-C-T. GRCh37 (hg19) VCF-style: chr19-45540678-C-T.
Other names: c.1361C>T, p.Pro454Leu (NM_001411087.1); short protein forms P454L, P457L.
Identifiers: ClinVar variation 2893117 (VCV002893117.3), dbSNP rs1158832614, ClinGen allele CA406308779.
Genomic context (GRCh38, chr19:45,037,420, plus strand): 5'-TTAGCCCTAAATCACACTACACTTCTCTTGTCTTCATCCCCGTAGGCCCGTTCCTCCCGC[C>T]GTCAGCCCTGCTGCCAGACCCTGACTTCTTCTCTGGCACCGTGTCCCTGCCCGGCCTGGA-3'
Protein context (NP_006500.2, residues 447-467): PNHGSGPFLP[Pro457Leu]SALLPDPDFF

ClinVar aggregate classification (germline): Uncertain significance (1 of 4 stars; one submission).

Allele frequency attached by ClinVar (database versions not stated): gnomAD exomes below 0.00001; TOPMed 0.00001; gnomAD 0.00001.
gnomAD v4.1: 9 of 1,582,810 alleles (0.00057%); highest among the groups gnomAD compares: Non-Finnish European, 0.0006%; no homozygotes.

Submission:

Labcorp Genetics (formerly Invitae), Labcorp
Classification: Uncertain significance. Last evaluated: 2026-01-19. Review status: criteria provided, single submitter. Criteria: Invitae Variant Classification Sherloc (09022015). Collection method: clinical testing. Allele origin: germline.
Comment: This sequence change replaces proline, which is neutral and non-polar, with leucine, which is neutral and non-polar, at codon 457 of the RELB protein (p.Pro457Leu). This variant is present in population databases (no rsID available, gnomAD 0.0009%). This variant has not been reported in the literature in individuals affected with RELB-related conditions. ClinVar contains an entry for this variant (Variation ID: 2893117). An algorithm developed to predict the effect of missense changes on protein structure and function (PolyPhen-2) suggests that this variant is likely to be tolerated. In summary, the available evidence is currently insufficient to determine the role of this variant in disease. Therefore, it has been classified as a Variant of Uncertain Significance.